The following is an entry in ClinVar:

ClinVar aggregate classification (germline): Conflicting classifications of pathogenicity. Review status: criteria provided, conflicting classifications (1 of 4 stars). 2 submissions from 2 submitters: Uncertain significance (1); Likely benign (1). Last evaluated 2025-04-13.

Conditions:
Inborn genetic diseases. Identifiers: MedGen C0950123, MeSH D030342.

gnomAD v4.1: 1 of 1,613,854 alleles (0.000062%); no homozygotes.

Submissions (2):

Ambry Genetics
Classification: Likely benign for Inborn genetic diseases. Last evaluated: 2025-04-13. Review status: criteria provided, single submitter. Criteria: Ambry Variant Classification Scheme 2023. Collection method: clinical testing. Allele origin: germline.

Labcorp Genetics (formerly Invitae), Labcorp
Classification: Uncertain significance. Last evaluated: 2023-06-20. Review status: criteria provided, single submitter. Criteria: Invitae Variant Classification Sherloc (09022015). Collection method: clinical testing. Allele origin: germline.
Comment: In summary, the available evidence is currently insufficient to determine the role of this variant in disease. Therefore, it has been classified as a Variant of Uncertain Significance. Algorithms developed to predict the effect of missense changes on protein structure and function output the following: SIFT: "Not Available"; PolyPhen-2: "Benign"; Align-GVGD: "Not Available". The asparagine amino acid residue is found in multiple mammalian species, which suggests that this missense change does not adversely affect protein function. This sequence change replaces serine, which is neutral and polar, with asparagine, which is neutral and polar, at codon 1143 of the SAMD9L protein (p.Ser1143Asn). This variant is not present in population databases (gnomAD no frequency). This variant has not been reported in the literature in individuals affected with SAMD9L-related conditions.

NM_152703.5(SAMD9L):c.3428G>A (p.Ser1143Asn)

Gene: SAMD9L (sterile alpha motif domain containing 9 like; minus strand). Cytogenetic location: 7q21.2.
Variant type: single nucleotide variant.
Coding change: c.3428G>A on transcript NM_152703.5 (MANE Select); coding-DNA position 3428, G replaced by A.
Protein change: p.Ser1143Asn; replaces serine 1143 with asparagine.
Molecular consequence: missense variant.
Genome position (GRCh38, 1-based): chr7:93,132,544, C>T on the plus strand (G>A on the coding strand, the complement: SAMD9L is on the minus strand). VCF-style: chr7-93132544-C-T. GRCh37 (hg19) VCF-style: chr7-92761857-C-T.
Other names: c.3428G>A, p.Ser1143Asn (NM_001303496.3, NM_001303497.3, NM_001303498.3 and 5 more transcripts); c.3428G>A (NM_152703.2); short protein forms S1143N.
Identifiers: ClinVar variation 2798219 (VCV002798219.4), dbSNP rs2535412345, ClinGen allele CA368182536.